The following is an entry in ClinVar:

ClinVar aggregate classification (germline): Uncertain significance (1 of 4 stars; one submission).

Submission:

GeneDx
Classification: Uncertain significance. Last evaluated: 2023-11-18. Review status: criteria provided, single submitter. Criteria: GeneDx Variant Classification Process June 2021. Collection method: clinical testing. Allele origin: germline. Affected: yes.
Comment: Not observed at significant frequency in large population cohorts (gnomAD); In silico analysis supports that this missense variant has a deleterious effect on protein structure/function; Has not been previously published as pathogenic or benign to our knowledge

NM_016284.5(CNOT1):c.6576C>G (p.Phe2192Leu)

Gene: CNOT1 (CCR4-NOT transcription complex subunit 1; minus strand). Cytogenetic location: 16q21.
Variant type: single nucleotide variant.
Coding change: c.6576C>G on transcript NM_016284.5 (MANE Select); coding-DNA position 6576, C replaced by G.
Protein change: p.Phe2192Leu; replaces phenylalanine 2192 with leucine.
Molecular consequence: missense variant. On other transcripts: non-coding transcript variant (1).
Genome position (GRCh38, 1-based): chr16:58,526,016, G>C on the plus strand (C>G on the coding strand, the complement: CNOT1 is on the minus strand). VCF-style: chr16-58526016-G-C. GRCh37 (hg19) VCF-style: chr16-58559920-G-C.
Other names: c.6561C>G, p.Phe2187Leu (NM_001265612.2); short protein forms F2187L, F2192L.
Identifiers: ClinVar variation 3364649 (VCV003364649.1).